The following is an entry in ClinVar:

NM_007194.4(CHEK2):c.494G>A (p.Gly165Asp)

Gene: CHEK2 (checkpoint kinase 2; minus strand). Cytogenetic location: 22q12.1.
Variant type: single nucleotide variant.
Coding change: c.494G>A on transcript NM_007194.4 (MANE Select); coding-DNA position 494, G replaced by A.
Protein change: p.Gly165Asp; replaces glycine 165 with aspartic acid.
Molecular consequence: missense variant. On other transcripts: 5 prime UTR variant (2), intron variant (1).
Genome position (GRCh38, 1-based): chr22:28,725,075, C>T on the plus strand (G>A on the coding strand, the complement: CHEK2 is on the minus strand). VCF-style: chr22-28725075-C-T. GRCh37 (hg19) VCF-style: chr22-29121063-C-T.
Other names: c.623G>A, p.Gly208Asp (NM_001005735.3, NM_001438294.1); c.-284G>A (NM_001257387.3); c.-170G>A (NM_001437942.1); c.587G>A, p.Gly196Asp (NM_001438293.1, NM_001438295.1); c.494G>A, p.Gly165Asp (NM_145862.3); c.445-152G>A (NM_001349956.3); short protein forms G165D, G208D, G196D.
Identifiers: ClinVar variation 234097 (VCV000234097.20), dbSNP rs876660846, ClinGen allele CA10581093.
Genomic context (GRCh38, chr22:28,725,075, plus strand): 5'-TTATTCAAAGGACGGCGTTTTCCTTTCCCTACAAGCTCTGTATTTACAAAGGTTCCATTG[C>T]CACTGTGATCTTCTATGTATGCAATGTAAGAGTTTTTAGGACCCACTTCCTAAAATAGAG-3'
Protein context (NP_009125.1, residues 155-175): SYIAYIEDHS[Gly165Asp]NGTFVNTELV

ClinVar aggregate classification (germline): Uncertain significance. Review status: criteria provided, multiple submitters, no conflicts (2 of 4 stars). 4 submissions from 4 submitters: Uncertain significance (4). Last evaluated 2025-11-04.

Conditions:
Hereditary cancer-predisposing syndrome. Also called: Neoplastic Syndromes, Hereditary; Tumor predisposition; Hereditary Cancer Syndrome; Hereditary neoplastic syndrome. Identifiers: Orphanet 140162, MedGen C0027672, MeSH D009386, MONDO:0015356.
Familial cancer of breast. Also called: BREAST CANCER, FAMILIAL; hereditary breast carcinoma; Hereditary breast cancer. Identifiers: Orphanet 227535, MedGen C0346153, MONDO:0016419, OMIM 114480. Disease mechanism: loss of function.
Breast and/or ovarian cancer. Identifiers: MedGen CN221562.

Allele frequency attached by ClinVar (database versions not stated): gnomAD exomes below 0.00001.
gnomAD v4.1: 2 of 1,614,144 alleles (0.00012%); highest among the groups gnomAD compares: South Asian, 0.0011%; no homozygotes.

Submissions (4):

Labcorp Genetics (formerly Invitae), Labcorp
Classification: Uncertain significance for Familial cancer of breast. Last evaluated: 2025-11-04. Review status: criteria provided, single submitter. Criteria: Invitae Variant Classification Sherloc (09022015). Collection method: clinical testing. Allele origin: germline.
Comment: This sequence change replaces glycine, which is neutral and non-polar, with aspartic acid, which is acidic and polar, at codon 165 of the CHEK2 protein (p.Gly165Asp). This variant is not present in population databases (gnomAD no frequency). This variant has not been reported in the literature in individuals affected with CHEK2-related conditions. ClinVar contains an entry for this variant (Variation ID: 234097). An algorithm developed to predict the effect of missense changes on protein structure and function (PolyPhen-2) suggests that this variant is likely to be disruptive. In summary, the available evidence is currently insufficient to determine the role of this variant in disease. Therefore, it has been classified as a Variant of Uncertain Significance.

Ambry Genetics
Classification: Uncertain significance for Hereditary cancer-predisposing syndrome. Last evaluated: 2024-11-19. Review status: criteria provided, single submitter. Criteria: Ambry Variant Classification Scheme 2023. Collection method: clinical testing. Allele origin: germline.
Comment: The p.G165D variant (also known as c.494G>A), located in coding exon 3 of the CHEK2 gene, results from a G to A substitution at nucleotide position 494. The glycine at codon 165 is replaced by aspartic acid, an amino acid with similar properties. This alteration was reported as functionally impaired in a study assessing CHEK2-complementation through quantification of KAP1 phosphorylation and CHK2 autophosphorylation in human RPE1-CHEK2-knockout cells (Stolarova L et al. Clin Cancer Res, 2023 Aug;29:3037-3050). This amino acid position is well conserved in available vertebrate species. In addition, the in silico prediction for this alteration is inconclusive. Based on the available evidence, the clinical significance of this variant remains unclear.

GeneDx
Classification: Uncertain significance. Last evaluated: 2022-12-22. Review status: criteria provided, single submitter. Criteria: GeneDx Variant Classification Process June 2021. Collection method: clinical testing. Allele origin: germline. Affected: yes.
Comment: Not observed at significant frequency in large population cohorts (gnomAD); In silico analysis supports that this missense variant does not alter protein structure/function; Has not been previously published as pathogenic or benign to our knowledge; This variant is associated with the following publications: (PMID: 22419737, 19782031)

CHEO Genetics Diagnostic Laboratory, Children's Hospital of Eastern Ontario
Classification: Uncertain significance for Breast and/or ovarian cancer. Last evaluated: 2020-03-20. Review status: criteria provided, single submitter. Criteria: ACMG Guidelines, 2015. Collection method: clinical testing. Allele origin: germline.

Literature cited by the submitters: PubMed 37449874 (cited by Ambry Genetics).